The following is an entry in ClinVar:

NM_001942.4(DSG1):c.2472G>A (p.Lys824=)

Genes: DSG1 (desmoglein 1; plus strand), DSG1-AS1 (DSG1 antisense RNA 1; minus strand), LOC126862720 (MED14-independent group 3 enhancer GRCh37_chr18:28933613-28934812; plus strand). Cytogenetic location: 18q12.1.
Variant type: single nucleotide variant.
Coding change: c.2472G>A on transcript NM_001942.4 (MANE Select); coding-DNA position 2472, G replaced by A.
Protein change: p.Lys824=; no amino-acid change (lysine 824 retained).
Molecular consequence: synonymous variant.
Genome position (GRCh38, 1-based): chr18:31,354,668, G>A. VCF-style: chr18-31354668-G-A. GRCh37 (hg19) VCF-style: chr18-28934631-G-A.
Identifiers: ClinVar variation 788333 (VCV000788333.37), dbSNP rs145955044, ClinGen allele CA8926368.

ClinVar aggregate classification (germline): Benign/Likely benign. Review status: criteria provided, multiple submitters, no conflicts (2 of 4 stars). 4 submissions from 4 submitters: Benign (2); Likely benign (1). 1 of the submissions does not count toward it. Last evaluated 2026-02-01.

Conditions:
DSG1-related disorder. Also called: DSG1-related condition.

Allele frequency attached by ClinVar (database versions not stated): 1000 Genomes Project 30x 0.00094; 1000 Genomes Project 0.00120; ExAC 0.00456; gnomAD exomes 0.00472 and 0.00679; TOPMed 0.00506; gnomAD 0.00514 and 0.00524; ESP Exome Variant Server 0.00577.
gnomAD v4.1: 10,713 of 1,614,118 alleles (0.66%); highest among the groups gnomAD compares: Middle Eastern, 1.4%; 57 homozygotes.

Submissions (4):

Labcorp Genetics (formerly Invitae), Labcorp
Classification: Benign. Last evaluated: 2026-02-01. Review status: criteria provided, single submitter. Criteria: Invitae Variant Classification Sherloc (09022015). Collection method: clinical testing. Allele origin: germline.

CeGaT Center for Human Genetics Tuebingen
Classification: Likely benign. Last evaluated: 2025-09-01. Review status: criteria provided, single submitter. Criteria: CeGaT Center For Human Genetics Tuebingen Variant Classification Criteria Version 2. Collection method: clinical testing. Allele origin: germline. Affected: yes. Observed: 5 variant alleles.
Comment: DSG1: BP4, BP7, BS2

Breakthrough Genomics
Classification: Benign. Review status: criteria provided, single submitter. Criteria: ACMG Guidelines, 2015. Collection method: not provided. Allele origin: germline. Inheritance: Autosomal recessive inheritance. Affected: yes.

PreventionGenetics, part of Exact Sciences
Classification: Benign for DSG1-related condition. Last evaluated: 2023-01-31. Review status: no assertion criteria provided. Collection method: clinical testing. Allele origin: germline. Not counted in ClinVar's aggregate classification.
Comment: This variant is classified as benign based on ACMG/AMP sequence variant interpretation guidelines (Richards et al. 2015 PMID: 25741868, with internal and published modifications).